The following is an entry in ClinVar:

ClinVar aggregate classification (germline): Uncertain significance (1 of 4 stars; one submission).

Submission:

Women's Health and Genetics/Laboratory Corporation of America, LabCorp
Classification: Uncertain significance. Last evaluated: 2025-11-05. Review status: criteria provided, single submitter. Criteria: LabCorp Variant Classification Summary - May 2015. Collection method: clinical testing. Allele origin: germline.
Comment: Variant summary: PROC c.1141G>C (p.Val381Leu) results in a conservative amino acid change in the encoded protein sequence. Algorithms developed to predict the effect of missense changes on protein structure and function all suggest that this variant is likely to be tolerated. The variant was absent in 251224 control chromosomes. The available data on variant occurrences in the general population are insufficient to allow any conclusion about variant significance. To our knowledge, no occurrence of c.1141G>C in individuals affected with PROC-related conditions and no experimental evidence demonstrating its impact on protein function have been reported. No submitters have cited clinical-significance assessments for this variant to ClinVar. Based on the evidence outlined above, the variant was classified as uncertain significance.

NM_000312.4(PROC):c.1141G>C (p.Val381Leu)

Gene: PROC (protein C, inactivator of coagulation factors Va and VIIIa; plus strand). Cytogenetic location: 2q14.3.
Variant type: single nucleotide variant.
Coding change: c.1141G>C on transcript NM_000312.4 (MANE Select); coding-DNA position 1141, G replaced by C.
Protein change: p.Val381Leu; replaces valine 381 with leucine.
Molecular consequence: missense variant.
Genome position (GRCh38, 1-based): chr2:127,428,701, G>C. VCF-style: chr2-127428701-G-C. GRCh37 (hg19) VCF-style: chr2-128186277-G-C.
Other names: c.1324G>C, p.Val442Leu (NM_001375602.1); c.1306G>C, p.Val436Leu (NM_001375603.1); c.1204G>C, p.Val402Leu (NM_001375604.1); c.1243G>C, p.Val415Leu (NM_001375605.1); c.1309G>C, p.Val437Leu (NM_001375606.1); c.1327G>C, p.Val443Leu (NM_001375607.1); c.1084G>C, p.Val362Leu (NM_001375608.1); c.1117G>C, p.Val373Leu (NM_001375609.1); and 2 more; short protein forms V362L, V373L, V379L, V381L, V402L, V415L, V436L, V437L.
Identifiers: ClinVar variation 4537030 (VCV004537030.1).